The following is an entry in ClinVar:

NM_001330588.2(TPP2):c.1908_1909delinsCC (p.Ala637Pro)

Gene: TPP2 (tripeptidyl peptidase 2; plus strand). Cytogenetic location: 13q33.1.
Variant type: Indel.
Coding change: c.1908_1909delinsCC on transcript NM_001330588.2 (MANE Select); coding-DNA positions 1908 to 1909, AG replaced by CC.
Protein change: p.Ala637Pro; replaces alanine 637 with proline.
Molecular consequence: missense variant. On other transcripts: non-coding transcript variant (1).
Genome position (GRCh38, 1-based): chr13:102,638,310-102,638,311, AG replaced by CC. VCF-style: chr13-102638310-AG-CC. GRCh37 (hg19) VCF-style: chr13-103290660-AG-CC.
Other names: c.1908_1909delinsCC, p.Ala637Pro (NM_001367947.1, NM_003291.4); short protein forms A637P.
Identifiers: ClinVar variation 1396757 (VCV001396757.3), dbSNP rs2139512249, ClinGen allele CA2573149474.

ClinVar aggregate classification (germline): Uncertain significance (1 of 4 stars; one submission).

Conditions:
Evans syndrome, immunodeficiency, and premature immunosenescence associated with tripeptidyl-peptidase II deficiency. Identifiers: MedGen CN231723. Disease mechanism: loss of function.

Submission:

Labcorp Genetics (formerly Invitae), Labcorp
Classification: Uncertain significance for Evans syndrome, immunodeficiency, and premature immunosenescence associated with tripeptidyl-peptidase II deficiency. Last evaluated: 2022-08-31. Review status: criteria provided, single submitter. Criteria: Invitae Variant Classification Sherloc (09022015). Collection method: clinical testing. Allele origin: germline.
Comment: This variant, c.1908_1909delinsCC, is a complex sequence change that results in the deletion of 1 and insertion of 1 amino acid(s) in the TPP2 protein (p.Ala637Pro). Information on the frequency of this variant in the gnomAD database is not available, as this variant may be reported differently in the database. This variant has not been reported in the literature in individuals affected with TPP2-related conditions. ClinVar contains an entry for this variant (Variation ID: 1396757). Experimental studies and prediction algorithms are not available or were not evaluated, and the functional significance of this variant is currently unknown. In summary, the available evidence is currently insufficient to determine the role of this variant in disease. Therefore, it has been classified as a Variant of Uncertain Significance.